The following is an entry in ClinVar:

ClinVar aggregate classification (germline): Uncertain significance (1 of 4 stars; one submission).

Allele frequency attached by ClinVar (database versions not stated): gnomAD 0.00001; gnomAD exomes 0.00001.
gnomAD v4.1: 12 of 1,613,714 alleles (0.00074%); highest among the groups gnomAD compares: Non-Finnish European, 0.001%; no homozygotes.

Submission:

Labcorp Genetics (formerly Invitae), Labcorp
Classification: Uncertain significance. Last evaluated: 2021-12-24. Review status: criteria provided, single submitter. Criteria: Invitae Variant Classification Sherloc (09022015). Collection method: clinical testing. Allele origin: germline.
Comment: This sequence change replaces alanine, which is neutral and non-polar, with aspartic acid, which is acidic and polar, at codon 487 of the LPIN1 protein (p.Ala487Asp). In summary, the available evidence is currently insufficient to determine the role of this variant in disease. Therefore, it has been classified as a Variant of Uncertain Significance. Algorithms developed to predict the effect of missense changes on protein structure and function are either unavailable or do not agree on the potential impact of this missense change (SIFT: "Deleterious"; PolyPhen-2: "Benign"; Align-GVGD: "Class C0"). This variant has not been reported in the literature in individuals affected with LPIN1-related conditions. This variant is not present in population databases (gnomAD no frequency).

NM_001349206.2(LPIN1):c.1568C>A (p.Ala523Asp)

Gene: LPIN1 (lipin 1; plus strand). Cytogenetic location: 2p25.1.
Variant type: single nucleotide variant.
Coding change: c.1568C>A on transcript NM_001349206.2 (MANE Select); coding-DNA position 1568, C replaced by A.
Protein change: p.Ala523Asp; replaces alanine 523 with aspartic acid.
Molecular consequence: missense variant. On other transcripts: non-coding transcript variant (1).
Genome position (GRCh38, 1-based): chr2:11,787,092, C>A. VCF-style: chr2-11787092-C-A. GRCh37 (hg19) VCF-style: chr2-11927218-C-A.
Other names: c.1478C>A, p.Ala493Asp (NM_001261427.3); c.1715C>A, p.Ala572Asp (NM_001261428.3); c.1460C>A, p.Ala487Asp (NM_001349199.2, NM_001349200.2, NM_001349201.2 and 1 more transcripts); c.1565C>A, p.Ala522Asp (NM_001349202.2, NM_001349203.2); c.1568C>A, p.Ala523Asp (NM_001349204.2, NM_001349205.2); c.1658C>A, p.Ala553Asp (NM_001349207.2); c.1607C>A, p.Ala536Asp (NM_001349208.2); short protein forms A487D, A523D, A493D, A572D, A522D, A536D, A553D.
Identifiers: ClinVar variation 2153992 (VCV002153992.4), dbSNP rs1337170137, ClinGen allele CA345857781.